The following is an entry in ClinVar:

NM_022168.4(IFIH1):c.1652A>G (p.Lys551Arg)

Gene: IFIH1 (interferon induced with helicase C domain 1; minus strand). Cytogenetic location: 2q24.2.
Variant type: single nucleotide variant.
Coding change: c.1652A>G on transcript NM_022168.4 (MANE Select); coding-DNA position 1652, A replaced by G.
Protein change: p.Lys551Arg; replaces lysine 551 with arginine.
Molecular consequence: missense variant.
Genome position (GRCh38, 1-based): chr2:162,278,318, T>C on the plus strand (A>G on the coding strand, the complement: IFIH1 is on the minus strand). VCF-style: chr2-162278318-T-C. GRCh37 (hg19) VCF-style: chr2-163134828-T-C.
Other names: short protein forms K551R.
Identifiers: ClinVar variation 3731241 (VCV003731241.4).

ClinVar aggregate classification (germline): Uncertain significance. Review status: criteria provided, multiple submitters, no conflicts (2 of 4 stars). 3 submissions from 3 submitters: Uncertain significance (3). Last evaluated 2024-08-15.

Conditions:
Immunodeficiency 95 (IMD95). Identifiers: MedGen C5676929, MONDO:0030692, OMIM 619773.
Singleton-Merten syndrome 1 (SGMRT1). Also called: Widened medullary cavities of bone, aortic calcification, abnormal dentition, and muscular weakness; Syndrome of widened medullary cavities of the metacarpals and phalanges, aortic calcification and abnormal dentition. Identifiers: Orphanet 85191, MedGen C4225427, MONDO:0024535, OMIM 182250.
Aicardi-Goutieres syndrome 7 (AGS7). Identifiers: Orphanet 51, MedGen C3888244, MONDO:0014367, OMIM 615846.

Submissions (3):

GeneDx
Classification: Uncertain significance. Last evaluated: 2024-08-15. Review status: criteria provided, single submitter. Criteria: GeneDx Variant Classification Process June 2021. Collection method: clinical testing. Allele origin: germline. Affected: yes.
Comment: Not observed at significant frequency in large population cohorts (gnomAD); In silico analysis indicates that this missense variant does not alter protein structure/function; Has not been previously published as pathogenic or benign to our knowledge

Labcorp Genetics (formerly Invitae), Labcorp
Classification: Uncertain significance for Aicardi-Goutieres syndrome 7; Singleton-Merten syndrome 1. Last evaluated: 2024-07-18. Review status: criteria provided, single submitter. Criteria: Invitae Variant Classification Sherloc (09022015). Collection method: clinical testing. Allele origin: germline.
Comment: This sequence change replaces lysine, which is basic and polar, with arginine, which is basic and polar, at codon 551 of the IFIH1 protein (p.Lys551Arg). This variant is present in population databases (rs577764827, gnomAD 0.007%). This variant has not been reported in the literature in individuals affected with IFIH1-related conditions. Advanced modeling of protein sequence and biophysical properties (such as structural, functional, and spatial information, amino acid conservation, physicochemical variation, residue mobility, and thermodynamic stability) has been performed at Invitae for this missense variant, however the output from this modeling did not meet the statistical confidence thresholds required to predict the impact of this variant on IFIH1 protein function. In summary, the available evidence is currently insufficient to determine the role of this variant in disease. Therefore, it has been classified as a Variant of Uncertain Significance.

Department of Pathology and Laboratory Medicine, Sinai Health System
Classification: Uncertain significance for Singleton-Merten syndrome 1; Aicardi-Goutieres syndrome 7; Immunodeficiency 95. Last evaluated: 2021-07-30. Review status: criteria provided, single submitter. Criteria: ACMG Guidelines, 2015. Collection method: research. Allele origin: germline.